The following is an entry in ClinVar:

ClinVar aggregate classification (germline): Likely benign. Review status: criteria provided, multiple submitters, no conflicts (2 of 4 stars). 3 submissions from 3 submitters: Likely benign (3). Last evaluated 2025-07-29.

Conditions:
SZT2-related disorder. Also called: SZT2-related condition.

Allele frequency attached by ClinVar (database versions not stated): gnomAD 0.00001; gnomAD exomes 0.00002; TOPMed 0.00002; ExAC 0.00003.
gnomAD v4.1: 25 of 1,614,004 alleles (0.0015%); highest among the groups gnomAD compares: Admixed American, 0.0033%; no homozygotes.

Submissions (3):

PreventionGenetics, part of Exact Sciences
Classification: Likely benign for SZT2-related condition. Last evaluated: 2025-07-29. Review status: criteria provided, single submitter. Criteria: ACMG Guidelines, 2015. Collection method: clinical testing. Allele origin: germline.
Comment: This variant is classified as likely benign based on ACMG/AMP sequence variant interpretation guidelines (Richards et al. 2015 PMID: 25741868, with internal and published modifications).

Labcorp Genetics (formerly Invitae), Labcorp
Classification: Likely benign. Last evaluated: 2025-02-08. Review status: criteria provided, single submitter. Criteria: Invitae Variant Classification Sherloc (09022015). Collection method: clinical testing. Allele origin: germline.

Mayo Clinic Laboratories, Mayo Clinic
Classification: Likely benign. Last evaluated: 2025-02-03. Review status: criteria provided, single submitter. Criteria: ACMG Guidelines, 2015. Collection method: clinical testing. Allele origin: germline. Observed: 1 variant allele.
Comment: BP4, BP7

Literature cited by the submitters: PubMed 25356899 (cited by Mayo Clinic Laboratories, Mayo Clinic).

NM_001365999.1(SZT2):c.6567G>A (p.Thr2189=)

Gene: SZT2 (SZT2 subunit of KICSTOR complex; plus strand). Cytogenetic location: 1p34.2.
Variant type: single nucleotide variant.
Coding change: c.6567G>A on transcript NM_001365999.1 (MANE Select); coding-DNA position 6567, G replaced by A.
Protein change: p.Thr2189=; no amino-acid change (threonine 2189 retained).
Molecular consequence: synonymous variant.
Genome position (GRCh38, 1-based): chr1:43,438,757, G>A. VCF-style: chr1-43438757-G-A. GRCh37 (hg19) VCF-style: chr1-43904428-G-A.
Other names: p.Thr2132=; c.6396G>A, p.Thr2132= (NM_015284.4); c.6396G>A (NM_015284.3).
Identifiers: ClinVar variation 1095916 (VCV001095916.11), dbSNP rs756511147, ClinGen allele CA809946.